The following is an entry in ClinVar:

NM_001854.4(COL11A1):c.1900-3_1900-2del

Gene: COL11A1 (collagen type XI alpha 1 chain; minus strand). Cytogenetic location: 1p21.1.
Variant type: Deletion.
Coding change: c.1900-3_1900-2del on transcript NM_001854.4 (MANE Select); 3 bases into the intron before coding-DNA position 1900 through the canonical splice acceptor site of the intron before coding-DNA position 1900, 2 bases deleted (CA; older notation c.1900-3_1900-2delCA).
Molecular consequence: splice acceptor variant.
Genome position (GRCh38, 1-based): chr1:103,004,490-103,004,491, TG deleted on the plus strand (CA on the coding strand, the reverse complement: COL11A1 is on the minus strand); deleting any 2 consecutive bases within chr1:103,004,490-103,004,492 gives the same sequence; the c. name uses the placement nearest the transcript's 3' end. VCF-style (leftmost placement, unchanged base first): chr1-103004489-CTG-C. GRCh37 (hg19) VCF-style: chr1-103470045-CTG-C.
Other names: c.1783-3_1783-2del (NM_001190709.2); c.1936-3_1936-2del (NM_080629.3); c.1552-3_1552-2del (NM_080630.4).
Identifiers: ClinVar variation 2028628 (VCV002028628.4), dbSNP rs1665411948, ClinGen allele CA1185282855.
Genomic context (GRCh38, chr1:103,004,489, plus strand): 5'-AAGTAAGTTGCTTACAGCTTCACCTGGAAGACCTCTTGGTCCAATTTCTCCATCTTCTCC[CTG>C]TCATTGACAAAATGAATGAGAGTATAGAACATTTGGACAATGTATCATTTCAACATGATT-3'

ClinVar aggregate classification (germline): Uncertain significance (1 of 4 stars; one submission).

Submission:

Labcorp Genetics (formerly Invitae), Labcorp
Classification: Uncertain significance. Last evaluated: 2025-12-08. Review status: criteria provided, single submitter. Criteria: Invitae Variant Classification Sherloc (09022015). Collection method: clinical testing. Allele origin: germline.
Comment: This sequence change falls in intron 19 of the COL11A1 gene. It does not directly change the encoded amino acid sequence of the COL11A1 protein. It affects a nucleotide within the consensus splice site. This variant is not present in population databases (gnomAD no frequency). This variant has not been reported in the literature in individuals affected with COL11A1-related conditions. ClinVar contains an entry for this variant (Variation ID: 2028628). Variants that disrupt the consensus splice site are a relatively common cause of aberrant splicing (PMID: 17576681, 9536098). Algorithms developed to predict the effect of sequence changes on RNA splicing suggest that this variant may disrupt the consensus splice site. In summary, the available evidence is currently insufficient to determine the role of this variant in disease. Therefore, it has been classified as a Variant of Uncertain Significance.

Literature cited by the submitters: PubMed 17576681; PubMed 9536098.